The following is an entry in ClinVar:

ClinVar aggregate classification (germline): Likely pathogenic. Review status: criteria provided, multiple submitters, no conflicts (2 of 4 stars). 3 submissions from 3 submitters: Likely pathogenic (2). 1 of the submissions does not count toward it. Last evaluated 2025-12-09.

Conditions:
Autosomal recessive Alport syndrome (ATS2). Also called: Alport syndrome type 2; ALPORT SYNDROME 2, AUTOSOMAL RECESSIVE; COL4A3-Related Nephropathy; COL4A4 Alport Syndrome and Thin Basement Membrane Nephropathy. Identifiers: Orphanet 63, Orphanet 88919, MedGen C4746745, MONDO:0008762, OMIM 203780.
Autosomal dominant Alport syndrome (ATS3A). Also called: ALPORT SYNDROME 3A, AUTOSOMAL DOMINANT; Alport syndrome dominant type; Renal failure and sensorineural hearing loss. Identifiers: Orphanet 63, Orphanet 88918, MedGen C5882663, MONDO:0007086, OMIM 104200.
Hematuria, benign familial, 2 (BFH2). Identifiers: MedGen C5830421, MONDO:0958186, OMIM 620320.
Alport syndrome 3b, autosomal recessive. Identifiers: MedGen C5882699, MONDO:0957811, OMIM 620536.
Alport syndrome. Also called: Hemorrhagic familial nephritis; Hemorrhagic hereditary nephritis; Congenital hereditary hematuria. Identifiers: Orphanet 63, MedGen C1567741, MONDO:0018965.

Submissions (3):

Natera, Inc.
Classification: Likely pathogenic for Alport syndrome. Last evaluated: 2025-12-09. Review status: criteria provided, single submitter. Criteria: Natera Variant Classification Schema (03/2026). Collection method: clinical testing. Allele origin: germline.
Comment: The c.1143_1150+1del variant in COL4A3 is a canonical splice donor site variant predicted to affect pre-mRNA splicing, which may result in an abnormal transcript and altered protein product. This variant is expected to result in nonsense mediated decay, truncation, or a dysfunctional protein product. This variant is rare in the general population with a frequency below the threshold expected for the associated phenotype(s). Given the available evidence, this variant is classified as Likely Pathogenic.

Fulgent Genetics
Classification: Likely pathogenic for Autosomal dominant Alport syndrome; Hematuria, benign familial, 2; Alport syndrome 3b, autosomal recessive. Last evaluated: 2024-04-18. Review status: criteria provided, single submitter. Criteria: ACMG Guidelines, 2015. Collection method: clinical testing. Allele origin: germline.

Counsyl
Classification: Likely pathogenic for Autosomal recessive Alport syndrome. Last evaluated: 2018-01-22. Review status: no assertion criteria provided. Collection method: clinical testing. Allele origin: unknown. Not counted in ClinVar's aggregate classification.

NM_000091.5(COL4A3):c.1143_1150+1del

Genes: MFF-DT (MFF divergent transcript; minus strand), COL4A3 (collagen type IV alpha 3 chain; plus strand). Cytogenetic location: 2q36.3.
Variant type: Deletion.
Coding change: c.1143_1150+1del on transcript NM_000091.5 (MANE Select); coding-DNA position 1143 through the canonical splice donor site of the intron after coding-DNA position 1150, 9 bases deleted (AAGTCCTGG; older notation c.1143_1150+1delAAGTCCTGG).
Molecular consequence: splice donor variant.
Genome position (GRCh38, 1-based): chr2:227,261,110-227,261,118, AAGTCCTGG deleted; deleting any 9 consecutive bases within chr2:227,261,104-227,261,118 gives the same sequence; the c. name uses the placement nearest the transcript's 3' end. VCF-style (leftmost placement, unchanged base first): chr2-227261103-TTCCTGGAAG-T. GRCh37 (hg19) VCF-style: chr2-228125819-TTCCTGGAAG-T.
Other names: c.1143_1150+1del9 (NM_000091.4); c.1143_1150+1del (NM_000091.4).
Identifiers: ClinVar variation 556198 (VCV000556198.4), dbSNP rs1274459294, ClinGen allele CA539884829.